The following is an entry in ClinVar:

NM_000742.4(CHRNA2):c.74-6T>C

Gene: CHRNA2 (cholinergic receptor nicotinic alpha 2 subunit; minus strand). Cytogenetic location: 8p21.2.
Variant type: single nucleotide variant.
Coding change: c.74-6T>C on transcript NM_000742.4 (MANE Select); 6 bases into the intron before coding-DNA position 74, T replaced by C.
Molecular consequence: intron variant.
Genome position (GRCh38, 1-based): chr8:27,469,987, A>G on the plus strand (T>C on the coding strand, the complement: CHRNA2 is on the minus strand). VCF-style: chr8-27469987-A-G. GRCh37 (hg19) VCF-style: chr8-27327504-A-G.
Other names: c.-354-6T>C (NM_001347705.2); c.74-6T>C (NM_001282455.2); c.-388-6T>C (NM_001347708.2); c.-399-6T>C (NM_001347706.2); c.-340-6T>C (NM_001347707.2).
Identifiers: ClinVar variation 1939665 (VCV001939665.5), dbSNP rs755545432, ClinGen allele CA4689799.
Genomic context (GRCh38, chr8:27,469,987, plus strand): 5'-GAGGAGAGTGGGTCTCCAGGAGCCCTGGGAGGTGGGCGCTTAGCTTCCTCTCCACCTGCC[A>G]TCAAATCAGAGCCACTCAGCCTCACTGAGCCTCAGTTTGCTCATCTGTAAAATGGAGATG-3'

ClinVar aggregate classification (germline): Uncertain significance (1 of 4 stars; one submission).

Conditions:
Familial sleep-related hypermotor epilepsy. Also called: Autosomal Dominant Sleep-Related Hypermotor (Hyperkinetic) Epilepsy. Identifiers: Orphanet 98784, MedGen C3696898, MONDO:0000030.

Allele frequency attached by ClinVar (database versions not stated): gnomAD exomes below 0.00001; ExAC 0.00001.
gnomAD v4.1: 2 of 1,612,270 alleles (0.00012%); highest among the groups gnomAD compares: Non-Finnish European, 0.00017%; no homozygotes.

Submission:

Labcorp Genetics (formerly Invitae), Labcorp
Classification: Uncertain significance. Last evaluated: 2023-07-17. Review status: criteria provided, single submitter. Criteria: Invitae Variant Classification Sherloc (09022015). Collection method: clinical testing. Allele origin: germline.
Comment: In summary, the available evidence is currently insufficient to determine the role of this variant in disease. Therefore, it has been classified as a Variant of Uncertain Significance. Algorithms developed to predict the effect of sequence changes on RNA splicing suggest that this variant may disrupt the consensus splice site. ClinVar contains an entry for this variant (Variation ID: 1939665). This variant has not been reported in the literature in individuals affected with CHRNA2-related conditions. This variant is present in population databases (rs755545432, gnomAD 0.0009%). This sequence change falls in intron 2 of the CHRNA2 gene. It does not directly change the encoded amino acid sequence of the CHRNA2 protein.